The following is an entry in ClinVar:

ClinVar aggregate classification (germline): Uncertain significance (1 of 4 stars; one submission).

Conditions:
SEMA3C-related disorder. Also called: SEMA3C-related condition.

gnomAD v4.1: 12 of 1,603,402 alleles (0.00075%); highest among the groups gnomAD compares: African/African-American, 0.0094%; no homozygotes.

Submission:

PreventionGenetics, part of Exact Sciences
Classification: Uncertain significance for SEMA3C-related condition. Last evaluated: 2025-03-17. Review status: criteria provided, single submitter. Criteria: ACMG Guidelines, 2015. Collection method: clinical testing. Allele origin: germline.
Comment: The SEMA3C c.692A>G variant is predicted to result in the amino acid substitution p.His231Arg. To our knowledge, this variant has not been reported in the literature. This variant is reported in 0.016% of alleles in individuals of African descent in gnomAD. This variant could be benign. At this time, the clinical significance of this variant is uncertain due to the absence of conclusive functional and genetic evidence.

NM_006379.5(SEMA3C):c.638A>G (p.His213Arg)

Gene: SEMA3C (semaphorin 3C; minus strand). Cytogenetic location: 7q21.11.
Variant type: single nucleotide variant.
Coding change: c.638A>G on transcript NM_006379.5 (MANE Select); coding-DNA position 638, A replaced by G.
Protein change: p.His213Arg; replaces histidine 213 with arginine.
Molecular consequence: missense variant.
Genome position (GRCh38, 1-based): chr7:80,805,659, T>C on the plus strand (A>G on the coding strand, the complement: SEMA3C is on the minus strand). VCF-style: chr7-80805659-T-C. GRCh37 (hg19) VCF-style: chr7-80434975-T-C.
Other names: c.692A>G, p.His231Arg (NM_001350120.2); c.464A>G, p.His155Arg (NM_001350121.2); short protein forms H155R, H213R, H231R.
Identifiers: ClinVar variation 4987327 (VCV004987327.1).